The following is an entry in ClinVar:

NM_006612.6(KIF1C):c.2961C>G (p.His987Gln)

Gene: KIF1C (kinesin family member 1C; plus strand). Cytogenetic location: 17p13.2.
Variant type: single nucleotide variant.
Coding change: c.2961C>G on transcript NM_006612.6 (MANE Select); coding-DNA position 2961, C replaced by G.
Protein change: p.His987Gln; replaces histidine 987 with glutamine.
Molecular consequence: missense variant.
Genome position (GRCh38, 1-based): chr17:5,023,800, C>G. VCF-style: chr17-5023800-C-G. GRCh37 (hg19) VCF-style: chr17-4927095-C-G.
Other names: short protein forms H987Q.
Identifiers: ClinVar variation 1006037 (VCV001006037.8), dbSNP rs1975146105, ClinGen allele CA397318959.

ClinVar aggregate classification (germline): Uncertain significance (1 of 4 stars; one submission).

Conditions:
Spastic ataxia 2. Also called: Ataxia, spastic, 2, autosomal recessive. Identifiers: Orphanet 397946, MedGen C1969796, MONDO:0012651, OMIM 611302.

Submission:

Labcorp Genetics (formerly Invitae), Labcorp
Classification: Uncertain significance for Spastic ataxia 2. Last evaluated: 2020-08-06. Review status: criteria provided, single submitter. Criteria: Invitae Variant Classification Sherloc (09022015). Collection method: clinical testing. Allele origin: germline.
Comment: In summary, the available evidence is currently insufficient to determine the role of this variant in disease. Therefore, it has been classified as a Variant of Uncertain Significance. Algorithms developed to predict the effect of missense changes on protein structure and function are either unavailable or do not agree on the potential impact of this missense change (SIFT: "Deleterious"; PolyPhen-2: "Possibly Damaging"; Align-GVGD: "Class C0"). This variant has not been reported in the literature in individuals with KIF1C-related conditions. This variant is not present in population databases (ExAC no frequency). This sequence change replaces histidine with glutamine at codon 987 of the KIF1C protein (p.His987Gln). The histidine residue is highly conserved and there is a small physicochemical difference between histidine and glutamine.